The following is an entry in ClinVar:

NM_001042492.3(NF1):c.7009C>T (p.Leu2337Phe)

Gene: NF1 (neurofibromin 1; plus strand). Cytogenetic location: 17q11.2.
Variant type: single nucleotide variant.
Coding change: c.7009C>T on transcript NM_001042492.3 (MANE Select); coding-DNA position 7009, C replaced by T.
Protein change: p.Leu2337Phe; replaces leucine 2337 with phenylalanine.
Molecular consequence: missense variant.
Genome position (GRCh38, 1-based): chr17:31,340,592, C>T. VCF-style: chr17-31340592-C-T. GRCh37 (hg19) VCF-style: chr17-29667610-C-T.
Other names: c.6946C>T, p.Leu2316Phe (NM_000267.4); short protein forms L2316F, L2337F.
Identifiers: ClinVar variation 580678 (VCV000580678.15), dbSNP rs367734104, ClinGen allele CA8487472.

ClinVar aggregate classification (germline): Conflicting classifications of pathogenicity. Review status: criteria provided, conflicting classifications (1 of 4 stars). 5 submissions from 5 submitters: Uncertain significance (4); Likely benign (1). Last evaluated 2025-12-26.

Conditions:
Cardiovascular phenotype. Identifiers: MedGen CN230736.
Hereditary cancer-predisposing syndrome. Also called: Hereditary neoplastic syndrome; Tumor predisposition; Hereditary Cancer Syndrome; Neoplastic Syndromes, Hereditary. Identifiers: Orphanet 140162, MedGen C0027672, MeSH D009386, MONDO:0015356.
Juvenile myelomonocytic leukemia (JMML). Also called: LEUKEMIA, JUVENILE MYELOMONOCYTIC, SOMATIC. Identifiers: Orphanet 86834, MedGen C0349639, MONDO:0011908, OMIM 607785, HP:0012209.
Neurofibromatosis, type 1 (NF1). Also called: Peripheral type neurofibromatosis; Neurofibromatosis, type I; VON RECKLINGHAUSEN DISEASE; NEUROFIBROMATOSIS, TYPE I, SOMATIC. Identifiers: Orphanet 636, MedGen C0027831, MONDO:0018975, OMIM 162200. Disease mechanism: loss of function.
Café-au-lait macules with pulmonary stenosis (WTSN). Also called: PULMONIC STENOSIS WITH CAFE-AU-LAIT SPOTS. Identifiers: MedGen C0553586, MONDO:0008672, OMIM 193520.
Neurofibromatosis-Noonan syndrome (NFNS). Also called: NEUROFIBROMATOSIS WITH NOONAN PHENOTYPE. Identifiers: Orphanet 638, MedGen C2931482, MONDO:0011035, OMIM 601321. Disease mechanism: loss of function.
Neurofibromatosis, familial spinal (FSNF). Identifiers: Orphanet 636, MedGen C1834235, MONDO:0008078, OMIM 162210. Disease mechanism: loss of function.

Allele frequency attached by ClinVar (database versions not stated): gnomAD exomes below 0.00001; TOPMed below 0.00001; ExAC 0.00001; gnomAD 0.00001; ESP Exome Variant Server 0.00008.
gnomAD v4.1: 1 of 1,613,986 alleles (0.000062%); highest among the groups gnomAD compares: African/African-American, 0.0013%; no homozygotes.

Submissions (5):

Labcorp Genetics (formerly Invitae), Labcorp
Classification: Likely benign for Neurofibromatosis, type 1. Last evaluated: 2025-12-26. Review status: criteria provided, single submitter. Criteria: Invitae Variant Classification Sherloc (09022015). Collection method: clinical testing. Allele origin: germline.

Baylor Genetics
Classification: Uncertain significance for Juvenile myelomonocytic leukemia. Last evaluated: 2024-03-09. Review status: criteria provided, single submitter. Criteria: ACMG Guidelines, 2015. Collection method: clinical testing. Allele origin: unknown.

Ambry Genetics
Classification: Uncertain significance for Cardiovascular phenotype; Hereditary cancer-predisposing syndrome. Last evaluated: 2023-08-07. Review status: criteria provided, single submitter. Criteria: Ambry Variant Classification Scheme 2023. Collection method: clinical testing. Allele origin: germline.
Comment: The p.L2316F variant (also known as c.6946C>T), located in coding exon 46 of the NF1 gene, results from a C to T substitution at nucleotide position 6946. The leucine at codon 2316 is replaced by phenylalanine, an amino acid with highly similar properties. This amino acid position is highly conserved in available vertebrate species. In addition, the in silico prediction for this alteration is inconclusive. Since supporting evidence is limited at this time, the clinical significance of this alteration remains unclear.

Genome-Nilou Lab
Classification: Uncertain significance for Neurofibromatosis, type 1. Last evaluated: 2022-03-15. Review status: criteria provided, single submitter. Criteria: ACMG Guidelines, 2015. Collection method: clinical testing. Allele origin: germline. Affected: no.

Fulgent Genetics
Classification: Uncertain significance for Neurofibromatosis, type 1; Neurofibromatosis, familial spinal; Café-au-lait macules with pulmonary stenosis; Neurofibromatosis-Noonan syndrome; Juvenile myelomonocytic leukemia. Last evaluated: 2022-03-06. Review status: criteria provided, single submitter. Criteria: ACMG Guidelines, 2015. Collection method: clinical testing. Allele origin: unknown.